The following is an entry in ClinVar:

ClinVar aggregate classification (germline): Uncertain significance. Review status: criteria provided, multiple submitters, no conflicts (2 of 4 stars). 2 submissions from 2 submitters: Uncertain significance (2). Last evaluated 2024-03-06.

Conditions:
Familial thoracic aortic aneurysm and aortic dissection (TAAD). Also called: Thoracic aortic aneurysms and dissections. Identifiers: Orphanet 91387, MedGen C4707243, MONDO:0019625.
Marfan syndrome (MFS). Also called: Marfan's syndrome; Marfan syndrome, classic; MARFAN SYNDROME, TYPE I; Marfan syndrome type 1; FBN1-Related Marfan Syndrome. Identifiers: Orphanet 284963, Orphanet 558, MedGen C0024796, MONDO:0007947, OMIM 154700.

Allele frequency attached by ClinVar (database versions not stated): TOPMed below 0.00001.
gnomAD v4.1: 2 of 1,614,228 alleles (0.00012%); highest among the groups gnomAD compares: Non-Finnish European, 0.00017%; no homozygotes.

Submissions (2):

Color Diagnostics, LLC DBA Color Health
Classification: Uncertain significance for Familial thoracic aortic aneurysm and aortic dissection. Last evaluated: 2024-03-06. Review status: criteria provided, single submitter. Criteria: ACMG Guidelines, 2015. Collection method: clinical testing. Allele origin: germline.
Comment: This missense variant replaces methionine with threonine at codon 2632 of the FBN1 protein. Computational prediction suggests that this variant may not impact protein structure and function (internally defined REVEL score threshold <= 0.5, PMID: 27666373). To our knowledge, functional studies have not been reported for this variant. This variant has not been reported in individuals affected with cardiovascular disorders in the literature. This variant has not been identified in the general population by the Genome Aggregation Database (gnomAD). The available evidence is insufficient to determine the role of this variant in disease conclusively. Therefore, this variant is classified as a Variant of Uncertain Significance.

Labcorp Genetics (formerly Invitae), Labcorp
Classification: Uncertain significance for Marfan syndrome; Familial thoracic aortic aneurysm and aortic dissection. Last evaluated: 2022-08-24. Review status: criteria provided, single submitter. Criteria: Invitae Variant Classification Sherloc (09022015). Collection method: clinical testing. Allele origin: germline.
Comment: This variant is not present in population databases (gnomAD no frequency). In summary, the available evidence is currently insufficient to determine the role of this variant in disease. Therefore, it has been classified as a Variant of Uncertain Significance. Advanced modeling of protein sequence and biophysical properties (such as structural, functional, and spatial information, amino acid conservation, physicochemical variation, residue mobility, and thermodynamic stability) performed at Invitae indicates that this missense variant is not expected to disrupt FBN1 protein function. This variant has not been reported in the literature in individuals affected with FBN1-related conditions. This sequence change replaces methionine, which is neutral and non-polar, with threonine, which is neutral and polar, at codon 2632 of the FBN1 protein (p.Met2632Thr).

NM_000138.5(FBN1):c.7895T>C (p.Met2632Thr)

Gene: FBN1 (fibrillin 1; minus strand). Cytogenetic location: 15q21.1.
Variant type: single nucleotide variant.
Coding change: c.7895T>C on transcript NM_000138.5 (MANE Select); coding-DNA position 7895, T replaced by C.
Protein change: p.Met2632Thr; replaces methionine 2632 with threonine.
Molecular consequence: missense variant.
Genome position (GRCh38, 1-based): chr15:48,415,692, A>G on the plus strand (T>C on the coding strand, the complement: FBN1 is on the minus strand). VCF-style: chr15-48415692-A-G. GRCh37 (hg19) VCF-style: chr15-48707889-A-G.
Other names: c.7895T>C, p.Met2632Thr (NM_001406716.1); short protein forms M2632T.
Identifiers: ClinVar variation 1898681 (VCV001898681.7), dbSNP rs776686839, ClinGen allele CA392323248.